The following is an entry in ClinVar:

NM_006231.4(POLE):c.3614C>T (p.Pro1205Leu)

Gene: POLE (DNA polymerase epsilon, catalytic subunit; minus strand). Cytogenetic location: 12q24.33.
Variant type: single nucleotide variant.
Coding change: c.3614C>T on transcript NM_006231.4 (MANE Select); coding-DNA position 3614, C replaced by T.
Protein change: p.Pro1205Leu; replaces proline 1205 with leucine.
Molecular consequence: missense variant.
Genome position (GRCh38, 1-based): chr12:132,649,858, G>A on the plus strand (C>T on the coding strand, the complement: POLE is on the minus strand). VCF-style: chr12-132649858-G-A. GRCh37 (hg19) VCF-style: chr12-133226444-G-A.
Other names: c.3614C>T (NM_006231.2); short protein forms P1205L.
Identifiers: ClinVar variation 405701 (VCV000405701.17), dbSNP rs772686048, ClinGen allele CA6893157.

ClinVar aggregate classification (germline): Conflicting classifications of pathogenicity. Review status: criteria provided, conflicting classifications (1 of 4 stars). 6 submissions from 6 submitters: Uncertain significance (4); Likely benign (1). 1 of the submissions does not count toward it. Last evaluated 2025-12-31.

Conditions:
Colorectal cancer, susceptibility to, 12 (CRCS12). Also called: COLORECTAL CANCER, SUSCEPTIBILITY TO, ON CHROMOSOME 12q24. Identifiers: Orphanet 220460, MedGen C3554460, MONDO:0014038, OMIM 615083.
Intrauterine growth retardation, metaphyseal dysplasia, adrenal hypoplasia congenita, genital anomalies, and immunodeficiency. Also called: IMAGEI SYNDROME. Identifiers: MedGen C5193036, MONDO:0032684, OMIM 618336.
Facial dysmorphism-immunodeficiency-livedo-short stature syndrome. Also called: Facial dysmorphism, immunodeficiency, livedo, and short stature; FILS syndrome. Identifiers: Orphanet 352712, MedGen C3554576, MONDO:0014058, OMIM 615139.
Hereditary cancer-predisposing syndrome. Also called: Hereditary neoplastic syndrome; Hereditary Cancer Syndrome; Tumor predisposition; Neoplastic Syndromes, Hereditary. Identifiers: Orphanet 140162, MedGen C0027672, MeSH D009386, MONDO:0015356.
Carcinoma of colon (CRC). Also called: Colon carcinoma; Colonic carcinoma. Identifiers: MedGen C0699790, MONDO:0002032.

Allele frequency attached by ClinVar (database versions not stated): TOPMed 0.00001; gnomAD exomes 0.00002 and 0.00003; ExAC 0.00003; gnomAD 0.00004 and 0.00002.
gnomAD v4.1: 34 of 1,613,928 alleles (0.0021%); highest among the groups gnomAD compares: East Asian, 0.029%; no homozygotes.

Submissions (6):

Labcorp Genetics (formerly Invitae), Labcorp
Classification: Uncertain significance. Last evaluated: 2025-12-31. Review status: criteria provided, single submitter. Criteria: Invitae Variant Classification Sherloc (09022015). Collection method: clinical testing. Allele origin: germline.
Comment: This sequence change replaces proline, which is neutral and non-polar, with leucine, which is neutral and non-polar, at codon 1205 of the POLE protein (p.Pro1205Leu). This variant is present in population databases (rs772686048, gnomAD 0.05%). This variant has not been reported in the literature in individuals affected with POLE-related conditions. ClinVar contains an entry for this variant (Variation ID: 405701). Invitae Evidence Modeling of protein sequence and biophysical properties (such as structural, functional, and spatial information, amino acid conservation, physicochemical variation, residue mobility, and thermodynamic stability) indicates that this missense variant is not expected to disrupt POLE protein function with a negative predictive value of 80%. In summary, the available evidence is currently insufficient to determine the role of this variant in disease. Therefore, it has been classified as a Variant of Uncertain Significance.

ARUP Laboratories, Molecular Genetics and Genomics, ARUP Laboratories
Classification: Uncertain significance. Last evaluated: 2025-06-06. Review status: criteria provided, single submitter. Criteria: ARUP Molecular Germline Variant Investigation Process 2024. Collection method: clinical testing. Allele origin: germline.
Comment: The POLE c.3614C>T; p.Pro1205Leu variant (rs772686048, ClinVar Variation ID: 405701) is reported in the literature as a somatic variant in individuals affected with hypermutant lung cancer (Zhang 2021) or medulloblastoma (Northcutt 2017). This variant is found in the East Asian population with an allele frequency of 0.045% (9/19,940 alleles) in the Genome Aggregation Database (v2.1.1). Computational analyses predict that this variant is neutral (REVEL: 0.013). This variant is not located in the exonuclease domain (Palles 2013), and gene-disease association has not been established for variants outside of the exonuclease domain (Seifert 2019). Due to limited information, the clinical significance of this variant is uncertain at this time. References: Northcott PA et al. The whole-genome landscape of medulloblastoma subtypes. Nature. 2017 Jul 19;547(7663):311-317. PMID: 28726821. Palles C et al. Germline mutations affecting the proofreading domains of POLE and POLD1 predispose to colorectal adenomas and carcinomas. Nat Genet. 2013 Feb;45(2):136-44. PMID: 23263490. Seifert BA et al. Determining the clinical validity of hereditary colorectal cancer and polyposis susceptibility genes using the Clinical Genome Resource Clinical Validity Framework. Genet Med. 2019 Jul;21(7):1507-1516. PMID: 30523343. Zhang H et al. Clinicopathological and molecular characteristics of patients with hypermutant lung cancer: A retrospective cohort study. Oncol Lett. 2021 Apr;21(4):329. PMID: 33692861.

Ambry Genetics
Classification: Likely benign for Hereditary cancer-predisposing syndrome. Last evaluated: 2024-10-17. Review status: criteria provided, single submitter. Criteria: Ambry Variant Classification Scheme 2023. Collection method: clinical testing. Allele origin: germline.

Fulgent Genetics
Classification: Uncertain significance for Colorectal cancer, susceptibility to, 12; Facial dysmorphism-immunodeficiency-livedo-short stature syndrome; Intrauterine growth retardation, metaphyseal dysplasia, adrenal hypoplasia congenita, genital anomalies, and immunodeficiency. Last evaluated: 2024-05-02. Review status: criteria provided, single submitter. Criteria: ACMG Guidelines, 2015. Collection method: clinical testing. Allele origin: germline.

GeneDx
Classification: Uncertain significance. Last evaluated: 2019-10-14. Review status: criteria provided, single submitter. Criteria: GeneDx Variant Classification Process June 2021. Collection method: clinical testing. Allele origin: germline. Affected: yes.
Comment: In silico analysis, which includes protein predictors and evolutionary conservation, supports that this variant does not alter protein structure/function; Has not been previously published as pathogenic or benign to our knowledge

Department of Pathology and Laboratory Medicine, Sinai Health System
Classification: Uncertain significance for Carcinoma of colon. Review status: no assertion criteria provided. Collection method: clinical testing. Allele origin: unknown. Affected: yes. Study: The Canadian Open Genetics Repository (COGR). Not counted in ClinVar's aggregate classification.
Comment: The POLE p.Pro1205Leu variant was not identified in the literature. The variant was identified in dbSNP (rs772686048) as â€šÃ„Ãºwith uncertain significance alleleâ€šÃ„Ã¹, ClinVar (interpreted as "uncertain significance" by Invitae). The variant was identified in control databases in 10 of 276,860 chromosomes at a frequency of 0.00004 (Genome Aggregation Database Feb 27, 2017). The variant was observed in the following populations: African in 1 of 24,008 chromosomes (freq: 0.00004), East Asian in 9 of 18,858 chromosomes (freq: 0.0005); it was not observed in the Other, Latino, European, Ashkenazi Jewish, Finnish, and South Asian populations. The p.Pro1205 residue is not conserved in mammals and four out of five computational analyses (PolyPhen-2, SIFT, AlignGVGD, BLOSUM, MutationTaster) do not suggest a high likelihood of impact to the protein; however, this information is not predictive enough to rule out pathogenicity. The variant occurs outside of the splicing consensus sequence and in silico or computational prediction software programs (SpliceSiteFinder, MaxEntScan, NNSPLICE, GeneSplicer) do not predict a difference in splicing. In summary, based on the above information the clinical significance of this variant cannot be determined with certainty at this time. This variant is classified as a variant of uncertain significance.